The following is an entry in ClinVar:

NM_001164508.2(NEB):c.1370_1386delinsTCTA (p.Asn457fs)

Gene: NEB (nebulin; minus strand). Cytogenetic location: 2q23.3.
Variant type: Indel.
Coding change: c.1370_1386delinsTCTA on transcript NM_001164508.2 (MANE Select); coding-DNA positions 1370 to 1386, ACTACAAAGCAGAATAC replaced by TCTA.
Protein change: p.Asn457fs; shifts the reading frame from asparagine 457.
Molecular consequence: frameshift variant.
Genome position (GRCh38, 1-based): chr2:151,697,232-151,697,248, GTATTCTGCTTTGTAGT replaced by TAGA on the plus strand (ACTACAAAGCAGAATAC replaced by TCTA on the coding strand, the reverse complement: NEB is on the minus strand). VCF-style: chr2-151697232-GTATTCTGCTTTGTAGT-TAGA. GRCh37 (hg19) VCF-style: chr2-152553746-GTATTCTGCTTTGTAGT-TAGA.
Other names: c.1370_1386delinsTCTA, p.Asn457fs (NM_001164507.2, NM_001271208.2, NM_004543.5); short protein forms N457fs.
Identifiers: ClinVar variation 1725165 (VCV001725165.2), dbSNP rs2552269949, ClinGen allele CA2580064065.

ClinVar aggregate classification (germline): Likely pathogenic (1 of 4 stars; one submission).

Conditions:
Nemaline myopathy 2 (NEM2). Also called: Nemaline myopathy 2, autosomal recessive. Identifiers: MedGen C1850569, MONDO:0009725, OMIM 256030.

Submission:

Myriad Genetics, Inc.
Classification: Likely pathogenic for Nemaline myopathy 2. Last evaluated: 2022-03-11. Review status: criteria provided, single submitter. Criteria: Myriad Women's Health Autosomal Recessive and X-Linked Classification Criteria (2021). Collection method: clinical testing. Allele origin: unknown.
Comment: NM_001271208.1(NEB):c.1370_1386del17ins4(N457Ifs*2) is expected to be pathogenic in the context of NEB-related nemaline myopathy. This variant is predicted to lead to an abnormal or absent protein product due to the creation of a premature termination codon in NEB, a gene where loss-of-function variants are known to be pathogenic. Please note: this variant was assessed in the context of healthy population screening.